The following is an entry in ClinVar:

NM_000439.5(PCSK1):c.234G>T (p.Arg78Ser)

Genes: CAST (calpastatin; plus strand), PCSK1 (proprotein convertase subtilisin/kexin type 1; minus strand), LOC101929710 (uncharacterized LOC101929710; plus strand). Cytogenetic location: 5q15.
Variant type: single nucleotide variant.
Coding change: c.234G>T on transcript NM_000439.5 (MANE Select); coding-DNA position 234, G replaced by T.
Protein change: p.Arg78Ser; replaces arginine 78 with serine.
Molecular consequence: missense variant. On other transcripts: intron variant (11).
Genome position (GRCh38, 1-based): chr5:96,429,264, C>A on the plus strand (G>T on the coding strand, the complement: PCSK1 is on the minus strand). VCF-style: chr5-96429264-C-A. GRCh37 (hg19) VCF-style: chr5-95764968-C-A.
Other names: c.93G>T, p.Arg31Ser (NM_001177875.2); c.-175+49612C>A (NM_001423254.1, NM_001423259.1, NM_001423255.1 and 6 more transcripts); c.-103+49612C>A (NM_001423253.1); c.-40+49612C>A (NM_001423258.1); short protein forms R31S, R78S.
Identifiers: ClinVar variation 3354132 (VCV003354132.1).

ClinVar aggregate classification (germline): Uncertain significance (0 of 4 stars; one submission).

Conditions:
PCSK1-related disorder. Also called: PCSK1-related condition.

gnomAD v4.1: 7 of 1,604,806 alleles (0.00044%); highest among the groups gnomAD compares: African/African-American, 0.0054%; no homozygotes.

Submission:

PreventionGenetics, part of Exact Sciences
Classification: Uncertain significance for PCSK1-related condition. Last evaluated: 2024-01-25. Review status: no assertion criteria provided. Collection method: clinical testing. Allele origin: germline.
Comment: The PCSK1 c.234G>T variant is predicted to result in the amino acid substitution p.Arg78Ser. This variant was observed in a cohort of obese individuals, and in vitro functional studies showed moderate evidence of loss of function (Supplemental Data Set, Shah et al. 2023. PubMed ID: 36864747). This variant is reported in 0.012% of alleles in individuals of African descent in gnomAD. Although we suspect that this variant may be pathogenic, at this time, the clinical significance of this variant is uncertain due to the absence of conclusive functional and genetic evidence.